The following is an entry in ClinVar:

ClinVar aggregate classification (germline): Uncertain significance (1 of 4 stars; one submission).

Allele frequency attached by ClinVar (database versions not stated): gnomAD 0.00002.

Submission:

Labcorp Genetics (formerly Invitae), Labcorp
Classification: Uncertain significance. Last evaluated: 2022-07-23. Review status: criteria provided, single submitter. Criteria: Invitae Variant Classification Sherloc (09022015). Collection method: clinical testing. Allele origin: germline.
Comment: This sequence change replaces arginine, which is basic and polar, with glycine, which is neutral and non-polar, at codon 52 of the CABP4 protein (p.Arg52Gly). This variant is present in population databases (rs745382789, gnomAD 0.01%). This variant has not been reported in the literature in individuals affected with CABP4-related conditions. Algorithms developed to predict the effect of missense changes on protein structure and function are either unavailable or do not agree on the potential impact of this missense change (SIFT: "Deleterious"; PolyPhen-2: "Benign"; Align-GVGD: "Class C0"). In summary, the available evidence is currently insufficient to determine the role of this variant in disease. Therefore, it has been classified as a Variant of Uncertain Significance.

NM_145200.5(CABP4):c.154C>G (p.Arg52Gly)

Gene: CABP4 (calcium binding protein 4; plus strand). Cytogenetic location: 11q13.2.
Variant type: single nucleotide variant.
Coding change: c.154C>G on transcript NM_145200.5 (MANE Select); coding-DNA position 154, C replaced by G.
Protein change: p.Arg52Gly; replaces arginine 52 with glycine.
Molecular consequence: missense variant. On other transcripts: 5 prime UTR variant (2), non-coding transcript variant (1), intron variant (1).
Genome position (GRCh38, 1-based): chr11:67,455,577, C>G. VCF-style: chr11-67455577-C-G. GRCh37 (hg19) VCF-style: chr11-67223048-C-G.
Other names: c.-230C>G (NM_001300895.3); c.-244C>G (NM_001379183.1); c.-112-132C>G (NM_001300896.3); short protein forms R52G.
Identifiers: ClinVar variation 1981670 (VCV001981670.1), dbSNP rs745382789, ClinGen allele CA6140080.